The following is an entry in ClinVar:

ClinVar aggregate classification (germline): Uncertain significance (1 of 4 stars; one submission).

Conditions:
Inborn genetic diseases. Identifiers: MedGen C0950123, MeSH D030342.

gnomAD v4.1: 3 of 1,612,328 alleles (0.00019%); highest among the groups gnomAD compares: Non-Finnish European, 0.00025%; no homozygotes.

Submission:

Ambry Genetics
Classification: Uncertain significance for Inborn genetic diseases. Last evaluated: 2025-09-28. Review status: criteria provided, single submitter. Criteria: Ambry Variant Classification Scheme 2023. Collection method: clinical testing. Allele origin: germline.
Comment: The p.R22L variant (also known as c.65G>T), located in coding exon 2 of the DDX41 gene, results from a G to T substitution at nucleotide position 65. The arginine at codon 22 is replaced by leucine, an amino acid with dissimilar properties. This amino acid position is conserved. In addition, this alteration is predicted to be tolerated by in silico analysis. Based on the available evidence, the clinical significance of this variant remains unclear.

NM_016222.4(DDX41):c.65G>T (p.Arg22Leu)

Gene: DDX41 (DEAD-box helicase 41; minus strand). Cytogenetic location: 5q35.3.
Variant type: single nucleotide variant.
Coding change: c.65G>T on transcript NM_016222.4 (MANE Select); coding-DNA position 65, G replaced by T.
Protein change: p.Arg22Leu; replaces arginine 22 with leucine.
Molecular consequence: missense variant. On other transcripts: 5 prime UTR variant (2).
Genome position (GRCh38, 1-based): chr5:177,516,798, C>A on the plus strand (G>T on the coding strand, the complement: DDX41 is on the minus strand). VCF-style: chr5-177516798-C-A. GRCh37 (hg19) VCF-style: chr5-176943799-C-A.
Other names: c.-591G>T (NM_001321732.2); c.-383G>T (NM_001321830.2); short protein forms R22L.
Identifiers: ClinVar variation 4617135 (VCV004617135.1).
Genomic context (GRCh38, chr5:177,516,798, plus strand): 5'-CGCTGCCGTAACGGCACATAGGGCACGTAGTCCTCGTCGTCCTCATCTTCCGCCTCGGAG[C>A]GGCTTCCTCCGGCAGGCACCTCGTCGGTGCGAGCCCGCTGCAAGCACACGCCAGTCAGGC-3'
Protein context (NP_057306.2, residues 12-32): RTDEVPAGGS[Arg22Leu]SEAEDEDDED